The following is an entry in ClinVar:

ClinVar aggregate classification (germline): Uncertain significance. Review status: criteria provided, single submitter (1 of 4 stars). 2 submissions from 2 submitters: Uncertain significance (1). 1 of the submissions does not count toward it. Last evaluated 2025-09-26.

Conditions:
ISL1-related disorder. Also called: ISL1-related condition.

Allele frequency attached by ClinVar (database versions not stated): ESP Exome Variant Server 0.00008; gnomAD 0.00003; gnomAD exomes 0.00001; TOPMed 0.00003.
gnomAD v4.1: 20 of 1,614,052 alleles (0.0012%); highest among the groups gnomAD compares: African/African-American, 0.0027%; no homozygotes.

Submissions (2):

Ambry Genetics
Classification: Uncertain significance. Last evaluated: 2025-09-26. Review status: criteria provided, single submitter. Criteria: Ambry Variant Classification Scheme 2023. Collection method: clinical testing. Allele origin: germline.

PreventionGenetics, part of Exact Sciences
Classification: Uncertain significance for ISL1-related condition. Last evaluated: 2024-01-17. Review status: no assertion criteria provided. Collection method: clinical testing. Allele origin: germline. Not counted in ClinVar's aggregate classification.
Comment: The ISL1 c.38T>A variant is predicted to result in the amino acid substitution p.Leu13Gln. To our knowledge, this variant has not been reported in the literature. This variant is reported in 0.0016% of alleles in individuals of European (Non-Finnish) descent in gnomAD. At this time, the clinical significance of this variant is uncertain due to the absence of conclusive functional and genetic evidence.

NM_002202.3(ISL1):c.38T>A (p.Leu13Gln)

Gene: ISL1 (ISL LIM homeobox 1; plus strand). Cytogenetic location: 5q11.1.
Variant type: single nucleotide variant.
Coding change: c.38T>A on transcript NM_002202.3 (MANE Select); coding-DNA position 38, T replaced by A.
Protein change: p.Leu13Gln; replaces leucine 13 with glutamine.
Molecular consequence: missense variant.
Genome position (GRCh38, 1-based): chr5:51,384,550, T>A. VCF-style: chr5-51384550-T-A. GRCh37 (hg19) VCF-style: chr5-50680384-T-A.
Other names: short protein forms L13Q.
Identifiers: ClinVar variation 2636623 (VCV002636623.4), dbSNP rs372177290, ClinGen allele CA118607670.